The following is an entry in ClinVar:

NM_001035.3(RYR2):c.9044T>C (p.Val3015Ala)

Gene: RYR2 (ryanodine receptor 2; plus strand). Cytogenetic location: 1q43.
Variant type: single nucleotide variant.
Coding change: c.9044T>C on transcript NM_001035.3 (MANE Select); coding-DNA position 9044, T replaced by C.
Protein change: p.Val3015Ala; replaces valine 3015 with alanine.
Molecular consequence: missense variant.
Genome position (GRCh38, 1-based): chr1:237,687,481, T>C. VCF-style: chr1-237687481-T-C. GRCh37 (hg19) VCF-style: chr1-237850781-T-C.
Other names: short protein forms V3015A.
Identifiers: ClinVar variation 921074 (VCV000921074.3), dbSNP rs1686531122, ClinGen allele CA345405853.
Genomic context (GRCh38, chr1:237,687,481, plus strand): 5'-TCCCTTTTCTCTTTTGTTTTTCTTTTGTCTTCAGCCTATTCTGCAAACTTGGAGTTCTTG[T>C]CAGGCATAGGATTTCACTATTTGGTAAGGAGACCCTTGAAAAAATACAAGCATGGCCATC-3'
Protein context (NP_001026.2, residues 3005-3025): TSLFCKLGVL[Val3015Ala]RHRISLFGND

ClinVar aggregate classification (germline): Uncertain significance (1 of 4 stars; one submission).

Conditions:
Cardiomyopathy (CMYO). Also called: Cardiomyopathies. Identifiers: Orphanet 167848, MedGen C0878544, MONDO:0004994, HP:0001638. Inheritance: Various modes of inheritance.

Submission:

Color Diagnostics, LLC DBA Color Health
Classification: Uncertain significance for Cardiomyopathy. Last evaluated: 2019-08-09. Review status: criteria provided, single submitter. Criteria: ACMG Guidelines, 2015. Collection method: clinical testing. Allele origin: germline.
Comment: This missense variant replaces valine with alanine at codon 3015 of the RYR2 protein. Computational prediction tools and conservation analyses suggest that this variant may have deleterious impact on the protein function. Computational splicing tools suggest that this variant may not impact RNA splicing. To our knowledge, functional assays have not been performed for this variant nor has this variant been reported in individuals affected with cardiovascular disorders in the literature. This variant has not been identified in the general population by the Genome Aggregation Database (gnomAD). Available evidence is insufficient to determine the role of this variant in disease conclusively. Therefore, this variant is classified as a Variant of Uncertain Significance.